The following is an entry in ClinVar:

NM_001371986.1(UNC80):c.6216C>A (p.Cys2072Ter)

Gene: UNC80 (unc-80 subunit of NALCN channel complex; plus strand). Cytogenetic location: 2q34.
Variant type: single nucleotide variant.
Coding change: c.6216C>A on transcript NM_001371986.1 (MANE Select); coding-DNA position 6216, C replaced by A.
Protein change: p.Cys2072Ter; replaces cysteine 2072 with a stop codon.
Molecular consequence: nonsense.
Genome position (GRCh38, 1-based): chr2:209,935,751, C>A. VCF-style: chr2-209935751-C-A. GRCh37 (hg19) VCF-style: chr2-210800475-C-A.
Other names: c.6018C>A, p.Cys2006Ter (NM_032504.2); c.6003C>A, p.Cys2001Ter (NM_182587.4); short protein forms C2006*, C2001*, C2072*.
Identifiers: ClinVar variation 2817767 (VCV002817767.3), dbSNP rs540644856, ClinGen allele CA350769999.

ClinVar aggregate classification (germline): Pathogenic (1 of 4 stars; one submission).

Submission:

Labcorp Genetics (formerly Invitae), Labcorp
Classification: Pathogenic. Last evaluated: 2022-12-01. Review status: criteria provided, single submitter. Criteria: Invitae Variant Classification Sherloc (09022015). Collection method: clinical testing. Allele origin: germline.
Comment: For these reasons, this variant has been classified as Pathogenic. This variant has not been reported in the literature in individuals affected with UNC80-related conditions. This variant is not present in population databases (gnomAD no frequency). This sequence change creates a premature translational stop signal (p.Cys2006*) in the UNC80 gene. It is expected to result in an absent or disrupted protein product. Loss-of-function variants in UNC80 are known to be pathogenic (PMID: 26545877, 26708751, 26708753).

Literature cited by the submitters: PubMed 26545877; PubMed 26708751; PubMed 26708753.